The following is an entry in ClinVar:

NM_001080421.3(UNC13A):c.629C>T (p.Pro210Leu)

Gene: UNC13A (unc-13 homolog A; minus strand). Cytogenetic location: 19p13.11.
Variant type: single nucleotide variant.
Coding change: c.629C>T on transcript NM_001080421.3 (MANE Select); coding-DNA position 629, C replaced by T.
Protein change: p.Pro210Leu; replaces proline 210 with leucine.
Molecular consequence: missense variant.
Genome position (GRCh38, 1-based): chr19:17,658,200, G>A on the plus strand (C>T on the coding strand, the complement: UNC13A is on the minus strand). VCF-style: chr19-17658200-G-A. GRCh37 (hg19) VCF-style: chr19-17769009-G-A.
Other names: c.629C>T, p.Pro210Leu (NM_001387021.1, NM_001387022.1, NM_001387023.1); short protein forms P210L.
Identifiers: ClinVar variation 2628611 (VCV002628611.2), dbSNP rs761900352, ClinGen allele CA9298699.

ClinVar aggregate classification (germline): Uncertain significance (1 of 4 stars; one submission).

Conditions:
UNC13A-related disorder. Also called: UNC13A-related condition.

Allele frequency attached by ClinVar (database versions not stated): gnomAD 0.00003; TOPMed 0.00004; ExAC 0.00008; gnomAD exomes 0.00009.
gnomAD v4.1: 134 of 1,613,776 alleles (0.0083%); highest among the groups gnomAD compares: Non-Finnish European, 0.01%; no homozygotes.

Submission:

PreventionGenetics, part of Exact Sciences
Classification: Uncertain significance for UNC13A-related condition. Last evaluated: 2026-07-29. Review status: criteria provided, single submitter. Criteria: ACMG Guidelines, 2015. Collection method: clinical testing. Allele origin: germline.
Comment: The UNC13A c.629C>T variant is predicted to result in the amino acid substitution p.Pro210Leu. To our knowledge, this variant has not been reported in the literature. This variant is reported in 0.0098% of alleles in individuals of European (Non-Finnish) descent in gnomAD. At this time, the clinical significance of this variant is uncertain due to the absence of conclusive functional and genetic evidence.